The following is an entry in ClinVar:

NM_000638.4(VTN):c.980-4A>G

Gene: VTN (vitronectin; minus strand). Cytogenetic location: 17q11.2.
Variant type: single nucleotide variant.
Coding change: c.980-4A>G on transcript NM_000638.4 (MANE Select); 4 bases into the intron before coding-DNA position 980, A replaced by G.
Molecular consequence: intron variant.
Genome position (GRCh38, 1-based): chr17:28,368,063, T>C on the plus strand (A>G on the coding strand, the complement: VTN is on the minus strand). VCF-style: chr17-28368063-T-C. GRCh37 (hg19) VCF-style: chr17-26695084-T-C.
Identifiers: ClinVar variation 3032015 (VCV003032015.2), dbSNP rs782306878, ClinGen allele CA8457461.

ClinVar aggregate classification (germline): Likely benign (0 of 4 stars; one submission).

Conditions:
VTN-related disorder. Also called: VTN-related condition.

Allele frequency attached by ClinVar (database versions not stated): gnomAD 0.00001; gnomAD exomes 0.00001; TOPMed 0.00001.
gnomAD v4.1: 4 of 1,569,260 alleles (0.00025%); highest among the groups gnomAD compares: Non-Finnish European, 0.00035%; no homozygotes.

Submission:

PreventionGenetics, part of Exact Sciences
Classification: Likely benign for VTN-related condition. Last evaluated: 2024-01-02. Review status: no assertion criteria provided. Collection method: clinical testing. Allele origin: germline.
Comment: This variant is classified as likely benign based on ACMG/AMP sequence variant interpretation guidelines (Richards et al. 2015 PMID: 25741868, with internal and published modifications).